The following is an entry in ClinVar:

ClinVar aggregate classification (germline): Uncertain significance (1 of 4 stars; one submission).

Submission:

Labcorp Genetics (formerly Invitae), Labcorp
Classification: Uncertain significance. Last evaluated: 2023-06-21. Review status: criteria provided, single submitter. Criteria: Invitae Variant Classification Sherloc (09022015). Collection method: clinical testing. Allele origin: germline.
Comment: This sequence change replaces proline, which is neutral and non-polar, with serine, which is neutral and polar, at codon 195 of the PALM protein (p.Pro195Ser). An algorithm developed to predict the effect of missense changes on protein structure and function (PolyPhen-2) suggests that this variant is likely to be disruptive. In summary, the available evidence is currently insufficient to determine the role of this variant in disease. Therefore, it has been classified as a Variant of Uncertain Significance. This variant has not been reported in the literature in individuals affected with PALM-related conditions. This variant is not present in population databases (gnomAD no frequency).

NM_002579.3(PALM):c.583C>T (p.Pro195Ser)

Gene: PALM (paralemmin; plus strand). Cytogenetic location: 19p13.3.
Variant type: single nucleotide variant.
Coding change: c.583C>T on transcript NM_002579.3 (MANE Select); coding-DNA position 583, C replaced by T.
Protein change: p.Pro195Ser; replaces proline 195 with serine.
Molecular consequence: missense variant. On other transcripts: intron variant (1).
Genome position (GRCh38, 1-based): chr19:740,432, C>T. VCF-style: chr19-740432-C-T. GRCh37 (hg19) VCF-style: chr19-740432-C-T.
Other names: c.502+4354C>T (NM_001040134.2); short protein forms P195S.
Identifiers: ClinVar variation 2717757 (VCV002717757.3), dbSNP rs2511987834, ClinGen allele CA402887019.
Genomic context (GRCh38, chr19:740,432, plus strand): 5'-ACTGTGGAGAAGGACAAGGTGACAGGGGAGACCAGGGTGCTGTCCAGCACCACGCTGCTC[C>T]CTCGGCAGCCGCTCCCTCTGGGCATCAAAGTCTACGAGGACGAGACCAAAGGTACGAGCA-3'
Protein context (NP_002570.2, residues 185-205): TRVLSSTTLL[Pro195Ser]RQPLPLGIKV